The following is an entry in ClinVar:

NM_001349253.2(SCN11A):c.3745G>A (p.Ala1249Thr)

Genes: SCN11A (sodium voltage-gated channel alpha subunit 11; minus strand), LOC126806652 (CDK7 strongly-dependent group 2 enhancer GRCh37_chr3:38912374-38913573; plus strand). Cytogenetic location: 3p22.2.
Variant type: single nucleotide variant.
Coding change: c.3745G>A on transcript NM_001349253.2 (MANE Select); coding-DNA position 3745, G replaced by A.
Protein change: p.Ala1249Thr; replaces alanine 1249 with threonine.
Molecular consequence: missense variant.
Genome position (GRCh38, 1-based): chr3:38,871,459, C>T on the plus strand (G>A on the coding strand, the complement: SCN11A is on the minus strand). VCF-style: chr3-38871459-C-T. GRCh37 (hg19) VCF-style: chr3-38912950-C-T.
Other names: c.3745G>A, p.Ala1249Thr (NM_014139.3); short protein forms A1249T.
Identifiers: ClinVar variation 945207 (VCV000945207.7), dbSNP rs1222682816, ClinGen allele CA352170351.

ClinVar aggregate classification (germline): Uncertain significance (1 of 4 stars; one submission).

Conditions:
Familial episodic pain syndrome with predominantly lower limb involvement. Also called: Episodic pain syndrome, familial, 3. Identifiers: Orphanet 391384, Orphanet 391392, MedGen C3809899, MONDO:0014247, OMIM 615552.
Hereditary sensory and autonomic neuropathy type 7. Also called: HSAN VII; Neuropathy, hereditary sensory and autonomic, type VII. Identifiers: Orphanet 391397, MedGen C3809882, MONDO:0014244, OMIM 615548.

Allele frequency attached by ClinVar (database versions not stated): gnomAD exomes 0.00002; gnomAD 0.00016 and 0.00017; TOPMed 0.00016.
gnomAD v4.1: 39 of 1,606,600 alleles (0.0024%); highest among the groups gnomAD compares: Admixed American, 0.049%; no homozygotes.

Submission:

Labcorp Genetics (formerly Invitae), Labcorp
Classification: Uncertain significance for Familial episodic pain syndrome with predominantly lower limb involvement; Hereditary sensory and autonomic neuropathy type 7. Last evaluated: 2019-09-11. Review status: criteria provided, single submitter. Criteria: Invitae Variant Classification Sherloc (09022015). Collection method: clinical testing. Allele origin: germline.
Comment: This variant has not been reported in the literature in individuals with SCN11A-related conditions. This variant is not present in population databases (ExAC no frequency). This sequence change replaces alanine with threonine at codon 1249 of the SCN11A protein (p.Ala1249Thr). The alanine residue is highly conserved and there is a small physicochemical difference between alanine and threonine. Algorithms developed to predict the effect of missense changes on protein structure and function (SIFT, PolyPhen-2, Align-GVGD) all suggest that this variant is likely to be disruptive, but these predictions have not been confirmed by published functional studies and their clinical significance is uncertain. In summary, the available evidence is currently insufficient to determine the role of this variant in disease. Therefore, it has been classified as a Variant of Uncertain Significance.